The following is an entry in ClinVar:

ClinVar aggregate classification (germline): Uncertain significance (1 of 4 stars; one submission).

Conditions:
Familial thoracic aortic aneurysm and aortic dissection (TAAD). Also called: Thoracic aortic aneurysms and dissections. Identifiers: Orphanet 91387, MedGen C4707243, MONDO:0019625.
Hereditary cancer-predisposing syndrome. Also called: Tumor predisposition; Neoplastic Syndromes, Hereditary; Hereditary neoplastic syndrome; Hereditary Cancer Syndrome. Identifiers: Orphanet 140162, MedGen C0027672, MeSH D009386, MONDO:0015356.

Submission:

Ambry Genetics
Classification: Uncertain significance for Hereditary cancer-predisposing syndrome; Familial thoracic aortic aneurysm and aortic dissection. Last evaluated: 2024-11-12. Review status: criteria provided, single submitter. Criteria: Ambry Variant Classification Scheme 2023. Collection method: clinical testing. Allele origin: germline.
Comment: The p.G168R variant (also known as c.502G>A), located in coding exon 4 of the SMAD4 gene, results from a G to A substitution at nucleotide position 502. The glycine at codon 168 is replaced by arginine, an amino acid with dissimilar properties. This amino acid position is conserved. In addition, the in silico prediction for this alteration is inconclusive. Based on the available evidence, the clinical significance of this variant remains unclear.

NM_005359.6(SMAD4):c.502G>A (p.Gly168Arg)

Gene: SMAD4 (SMAD family member 4; plus strand). Cytogenetic location: 18q21.2.
Variant type: single nucleotide variant.
Coding change: c.502G>A on transcript NM_005359.6 (MANE Select); coding-DNA position 502, G replaced by A.
Protein change: p.Gly168Arg; replaces glycine 168 with arginine.
Molecular consequence: missense variant. On other transcripts: non-coding transcript variant (2).
Genome position (GRCh38, 1-based): chr18:51,054,828, G>A. VCF-style: chr18-51054828-G-A. GRCh37 (hg19) VCF-style: chr18-48581198-G-A.
Other names: c.502G>A, p.Gly168Arg (NM_001407043.1, NM_001407041.1, NM_001407042.1); short protein forms G168R.
Identifiers: ClinVar variation 3445877 (VCV003445877.1).
Genomic context (GRCh38, chr18:51,054,828, plus strand): 5'-ATTTTCTATATAGCTCCATCAAGTATGATGGTGAAGGATGAATATGTGCATGACTTTGAG[G>A]GACAGCCATCGTTGTCCACTGAAGGACATTCAATTCAAACCATCCAGCATCCACCAAGTA-3'
Protein context (NP_005350.1, residues 158-178): VKDEYVHDFE[Gly168Arg]QPSLSTEGHS